The following is an entry in ClinVar:

NM_000018.4(ACADVL):c.1807T>C (p.Cys603Arg)

Gene: ACADVL (acyl-CoA dehydrogenase very long chain; plus strand). Cytogenetic location: 17p13.1.
Variant type: single nucleotide variant.
Coding change: c.1807T>C on transcript NM_000018.4 (MANE Select); coding-DNA position 1807, T replaced by C.
Protein change: p.Cys603Arg; replaces cysteine 603 with arginine.
Molecular consequence: missense variant.
Genome position (GRCh38, 1-based): chr17:7,224,864, T>C. VCF-style: chr17-7224864-T-C. GRCh37 (hg19) VCF-style: chr17-7128183-T-C.
Other names: c.1741T>C, p.Cys581Arg (NM_001033859.3); c.1876T>C, p.Cys626Arg (NM_001270447.2); c.1579T>C, p.Cys527Arg (NM_001270448.2); c.1876T>C (NM_001270447.1); short protein forms C581R, C603R, C527R, C626R.
Identifiers: ClinVar variation 932776 (VCV000932776.3), dbSNP rs2071403861, ClinGen allele CA397725928.

ClinVar aggregate classification (germline): Uncertain significance. Review status: criteria provided, multiple submitters, no conflicts (2 of 4 stars). 2 submissions from 2 submitters: Uncertain significance (2). Last evaluated 2024-03-26.

Conditions:
Very long chain acyl-CoA dehydrogenase deficiency (ACADVLD). Also called: Very Long-Chain Acyl-Coenzyme A Dehydrogenase Deficiency; VLCAD Deficiency. Identifiers: Orphanet 26793, MedGen C3887523, MONDO:0008723, OMIM 201475.

Submissions (2):

Genomic Medicine Center of Excellence, King Faisal Specialist Hospital and Research Centre
Classification: Uncertain significance for Very long chain acyl-CoA dehydrogenase deficiency. Last evaluated: 2024-03-26. Review status: criteria provided, single submitter. Criteria: ACMG Guidelines, 2015. Collection method: clinical testing. Allele origin: germline.

Wong Mito Lab, Molecular and Human Genetics, Baylor College of Medicine
Classification: Uncertain significance for Very long chain acyl-CoA dehydrogenase deficiency. Last evaluated: 2019-11-01. Review status: criteria provided, single submitter. Criteria: ACMG Guidelines, 2015. Collection method: clinical testing. Allele origin: germline.
Comment: The NM_000018.3:c.1807T>C (NP_000009.1:p.Cys603Arg) [GRCH38: NC_000017.11:g.7224864T>C] variant in ACADVL gene is interpretated to be Uncertain Significance based on ACMG guidelines (PMID: 25741868). This variant has been reported. This variant meets the following evidence codes reported in the ACMG guidelines: PP3